The following continues an entry in ClinVar:

NM_007294.4(BRCA1):c.4837A>G (p.Ser1613Gly)

Gene: BRCA1. ClinVar aggregate classification (germline): Benign. Benign (1). ClinVar aggregate classification (somatic clinical impact): Tier IV - Benign/Likely benign.

Submissions 18 to 39 of 39:

Laboratory for Molecular Medicine, Mass General Brigham Personalized Medicine
Classification: Benign. Last evaluated: 2016-03-29. Review status: criteria provided, single submitter. Criteria: LMM Criteria. Collection method: clinical testing. Allele origin: germline. Not counted in ClinVar's aggregate classification.
Comment: Variant identified in a genome or exome case(s) and assessed due to predicted null impact of the variant or pathogenic assertions in the literature or databases. Disclaimer: This variant has not undergone full assessment. The following are preliminary notes: Frequency

Eurofins Ntd Llc (ga)
Classification: Benign. Last evaluated: 2016-01-07. Review status: criteria provided, single submitter. Criteria: EGL Classification Definitions 2015. Collection method: clinical testing. Allele origin: germline. Observed: 220 variant alleles, 186 heterozygotes, 34 homozygotes. Not counted in ClinVar's aggregate classification.

Clinical Genetics DNA and cytogenetics Diagnostics Lab, Erasmus MC, Erasmus Medical Center
Classification: Benign for Breast-ovarian cancer, familial, susceptibility to, 1. Last evaluated: 2015-09-21. Review status: criteria provided, single submitter. Criteria: ACGS Guidelines, 2013. Collection method: clinical testing. Allele origin: germline. Affected: yes. Study: VKGL Data-share Consensus. Not counted in ClinVar's aggregate classification.

Molecular Genetics Laboratory, University of Michigan
Classification: Benign for Breast-ovarian cancer, familial, susceptibility to, 1. Last evaluated: 2014-11-03. Review status: criteria provided, single submitter. Criteria: ACMG Guidelines, 2015. Collection method: clinical testing. Allele origin: germline. Affected: yes. Not counted in ClinVar's aggregate classification.

Genome Diagnostics Laboratory, University Medical Center Utrecht
Classification: Benign for Breast-ovarian cancer, familial, susceptibility to, 1. Last evaluated: 2014-10-09. Review status: criteria provided, single submitter. Criteria: ACGS Guidelines, 2013. Collection method: clinical testing. Allele origin: germline. Affected: yes. Study: VKGL Data-share Consensus. Not counted in ClinVar's aggregate classification.

Ambry Genetics
Classification: Benign for Hereditary cancer-predisposing syndrome. Last evaluated: 2014-08-19. Review status: criteria provided, single submitter. Criteria: Ambry Variant Classification Scheme 2023. Collection method: clinical testing. Allele origin: germline. Not counted in ClinVar's aggregate classification.

Women's Health and Genetics/Laboratory Corporation of America, LabCorp
Classification: Benign for Hereditary breast ovarian cancer syndrome. Last evaluated: 2013-10-08. Review status: criteria provided, single submitter. Criteria: LabCorp Variant Classification Summary - May 2015. Collection method: clinical testing. Allele origin: germline. Not counted in ClinVar's aggregate classification.

Breakthrough Genomics
Classification: Benign. Review status: criteria provided, single submitter. Criteria: ACMG Guidelines, 2015. Collection method: not provided. Allele origin: germline. Inheritance: Autosomal recessive inheritance. Affected: yes. Not counted in ClinVar's aggregate classification.

GreenArray Genomic Research & Solutions of Accurate Diagnostic Private Limited
Classification: Benign for Breast-ovarian cancer, familial, susceptibility to, 1. Review status: criteria provided, single submitter. Criteria: ACMG Guidelines, 2015. Collection method: clinical testing. Allele origin: germline. Affected: no. Not counted in ClinVar's aggregate classification.

PreventionGenetics, part of Exact Sciences
Classification: Benign. Review status: criteria provided, single submitter. Criteria: ACMG Guidelines, 2015. Collection method: clinical testing. Allele origin: germline. Not counted in ClinVar's aggregate classification.

Mayo Clinic Laboratories, Mayo Clinic
Classification: Benign. Last evaluated: 2016-11-28. Review status: no assertion criteria provided. Collection method: clinical testing. Allele origin: unknown. Not counted in ClinVar's aggregate classification.

Counsyl
Classification: Benign for Breast-ovarian cancer, familial 1. Last evaluated: 2014-01-02. Review status: no assertion criteria provided. Collection method: literature only. Allele origin: unknown. Inheritance: Autosomal dominant inheritance. Not counted in ClinVar's aggregate classification.
Comment: High frequency in a 1kG or ESP population: 32.7 %. This submission and the accompanying classification are no longer maintained by the submitter.

ITMI
No classification provided. Condition: AllHighlyPenetrant. Last evaluated: 2013-09-19. Review status: no classification provided. Collection method: reference population. Allele origin: germline. Not counted in ClinVar's aggregate classification.
Comment: Please see associated publication for description of ethnicities

Biesecker Lab/Clinical Genomics Section, National Institutes of Health
Classification: Benign. Last evaluated: 2012-07-13. Review status: no assertion criteria provided. Collection method: research. Allele origin: germline. Affected: no. Observed: 315 variant alleles. Study: ClinSeq. Not counted in ClinVar's aggregate classification.
ClinVar note: Converted during submission from no known pathogenicity to Benign.

Sharing Clinical Reports Project (SCRP)
Classification: Benign for Breast-ovarian cancer, familial 1. Last evaluated: 2011-03-22. Review status: no assertion criteria provided. Collection method: clinical testing. Allele origin: germline. Not counted in ClinVar's aggregate classification.

Breast Cancer Information Core (BIC) (BRCA1)
No classification provided. Condition: Breast-ovarian cancer, familial 1. Review status: no classification provided. Collection method: clinical testing. Allele origin: germline, somatic, unknown. Affected: yes. Observed: 680 variant alleles. Not counted in ClinVar's aggregate classification.

Center of Medical Genetics and Primary Health Care
Classification: Benign for Breast Cancer. Review status: no assertion criteria provided. Collection method: clinical testing. Allele origin: germline. Affected: yes. Not counted in ClinVar's aggregate classification.

Clinical Genetics Laboratory, Department of Pathology, Netherlands Cancer Institute
Classification: Benign. Review status: no assertion criteria provided. Collection method: clinical testing. Allele origin: germline. Affected: yes. Study: VKGL Data-share Consensus. Not counted in ClinVar's aggregate classification.

Department of Pathology and Laboratory Medicine, Sinai Health System
Classification: Benign. Review status: no assertion criteria provided. Collection method: clinical testing. Allele origin: unknown. Affected: yes. Study: The Canadian Open Genetics Repository (COGR). Not counted in ClinVar's aggregate classification.
Comment: The p.Ser1613Gly variant was identified extensively in the literature from individuals or families with hereditary breast and ovarian cancers, and also control chromosomes from healthy individuals (Shattuck-Eidens 1997, Tavtigian 2006, Tommasi 2008, Phelan 2005, McKean-Cowdin 2005, Johnson 2007, Ho-Gay 2000, Greenman 1998, Forat-Yazdi 2015, Diez 2003, Abkevich 2004, Carvalho 2007). Most of the studies have concluded the p.Ser1613Gly variant benign or a polymorphism. The variant was also identified in our laboratory and in dbSNP (ID: rs1799966) with benign/other allele; in the 1000 Genomes Project in 1782 of 5000 chromosomes (frequency: 0.3558); in HapMap-CEU in 151 of 220 chromosomes (frequency: 0.686363); HapMap-YRI in 187 of 226 chromosomes (frequency: 0.8274333); HapMap-MKK in 224 of 286 chromosomes (frequency: 0.78321677). In Exome Variant Server project the variant was identified in 2809 of 8600 (freq: 0.326627) European American and in 1069 of 4406 (freq: 0.2426) African American alleles. In the Exome Aggregation Consortium (ExAC) database (released Oct 20th, 2014) the variant was identified in 42424 of 121360 chromosomes, with 7852 homozygotes (frequency: 0.3496) from a population of South Asians, European (Non-Finnish), East Asian, African, Latino, European (Finnish) and other individuals. The variant was identified in GeneInsight COGR, Clinvar (8 of 10 submitters classified as benign), Clinvitae, COSMIC, BRCA Share-UMD (co-occurred with BRCA1 and BRCA2 pathogenic variants), BIC, ARUP, LOVD and Fanconiâ€šÃ„Ã´s Anemia LOVD databases. The p.Ser1613 residue is not conserved in mammals and four out of five computational analyses (PolyPhen-2, SIFT, AlignGVGD, BLOSUM, MutationTaster) do not suggest a high likelihood of impact to the protein. In summary, based on the above information, this variant meets our laboratory's criteria to be classified as benign.

Diagnostic Laboratory, Department of Genetics, University Medical Center Groningen
Classification: Benign for Breast-ovarian cancer, familial, susceptibility to, 1. Review status: no assertion criteria provided. Collection method: clinical testing. Allele origin: germline. Affected: yes. Study: VKGL Data-share Consensus. Not counted in ClinVar's aggregate classification.

Faculté Pluridciplinaire Nador, Université Mohamed Premier
Classification: Tier IV - Benign/Likely benign for Familial cancer of breast. Review status: no assertion criteria provided. Collection method: research. Allele origin: somatic. Affected: yes.
Comment: The following databases and algorithms are used to annotate and evaluate the impact of the variant in the context of human disease: 1000 genomes, gnomAD, ClinVar, OMIM, dbSNP, NCIB RefSeq Genes, ExAC Gene Constraints, VS-SIFT, VS-PolyPhen2, PhyloP, GERP++, GeneSplicer, MaxEntScan, NNSplice, PWM Splice Predictor.

Joint Genome Diagnostic Labs from Nijmegen and Maastricht, Radboudumc and MUMC+
Classification: Benign. Review status: no assertion criteria provided. Collection method: clinical testing. Allele origin: germline. Affected: yes. Study: VKGL Data-share Consensus. Not counted in ClinVar's aggregate classification.

Literature cited by the submitters: PubMed 21990134 (cited by Evidence-based Network for the Interpretation of Germline Mutant Alleles (ENIGMA)); DOI 10.3389/fgene.2022.834265 (cited by National Health Laboratory Service, Universitas Academic Hospital and University of the Free State); PubMed 36329109 (cited by Genetics Program, Instituto Nacional de Cancer); PubMed 20104584 (cited by Women's Health and Genetics/Laboratory Corporation of America, LabCorp); PubMed 21702907 (cited by Women's Health and Genetics/Laboratory Corporation of America, LabCorp); PubMed 24728327 (cited by ITMI); Konstantopoulou et al, Hu Mut 2000 (cited by Breast Cancer Information Core (BIC) (BRCA1)); Ladopolou-et-al.,-Cancer-Lett,-185:61,-2002 (cited by Breast Cancer Information Core (BIC) (BRCA1)).